The following is an entry in ClinVar:

ClinVar aggregate classification (germline): Uncertain significance. Review status: criteria provided, multiple submitters, no conflicts (2 of 4 stars). 2 submissions from 2 submitters: Uncertain significance (2). Last evaluated 2022-07-14.

Submissions (2):

Labcorp Genetics (formerly Invitae), Labcorp
Classification: Uncertain significance. Last evaluated: 2022-07-14. Review status: criteria provided, single submitter. Criteria: Invitae Variant Classification Sherloc (09022015). Collection method: clinical testing. Allele origin: germline.
Comment: This sequence change falls in intron 11 of the ADAMTS10 gene. It does not directly change the encoded amino acid sequence of the ADAMTS10 protein. It affects a nucleotide within the consensus splice site. This variant is not present in population databases (gnomAD no frequency). This variant has not been reported in the literature in individuals affected with ADAMTS10-related conditions. ClinVar contains an entry for this variant (Variation ID: 1505266). Variants that disrupt the consensus splice site are a relatively common cause of aberrant splicing (PMID: 17576681, 9536098). Algorithms developed to predict the effect of sequence changes on RNA splicing suggest that this variant may disrupt the consensus splice site. In summary, the available evidence is currently insufficient to determine the role of this variant in disease. Therefore, it has been classified as a Variant of Uncertain Significance.

GeneDx
Classification: Uncertain significance. Last evaluated: 2022-02-11. Review status: criteria provided, single submitter. Criteria: GeneDx Variant Classification Process June 2021. Collection method: clinical testing. Allele origin: germline. Affected: yes.
Comment: Not observed at significant frequency in large population cohorts (gnomAD); Has not been previously published as pathogenic or benign to our knowledge; In-silico analysis is inconclusive as to whether the variant alters gene splicing. In the absence of RNA/functional studies, the actual effect of this sequence change is unknown.

Literature cited by the submitters: PubMed 17576681 (cited by Labcorp Genetics (formerly Invitae), Labcorp); PubMed 9536098 (cited by Labcorp Genetics (formerly Invitae), Labcorp).

NM_030957.4(ADAMTS10):c.1337+3G>T

Gene: ADAMTS10 (ADAM metallopeptidase with thrombospondin type 1 motif 10; minus strand). Cytogenetic location: 19p13.2.
Variant type: single nucleotide variant.
Coding change: c.1337+3G>T on transcript NM_030957.4 (MANE Select); 3 bases into the intron after coding-DNA position 1337, G replaced by T.
Molecular consequence: intron variant.
Genome position (GRCh38, 1-based): chr19:8,596,070, C>A on the plus strand (G>T on the coding strand, the complement: ADAMTS10 is on the minus strand). VCF-style: chr19-8596070-C-A. GRCh37 (hg19) VCF-style: chr19-8660954-C-A.
Identifiers: ClinVar variation 1505266 (VCV001505266.5), dbSNP rs2146080260, ClinGen allele CA2573155957.